The following is an entry in ClinVar:

ClinVar aggregate classification (germline): Pathogenic. Review status: criteria provided, single submitter (1 of 4 stars). 2 submissions from 2 submitters: Pathogenic (1). 1 of the submissions does not count toward it. Last evaluated 2025-06-23.

Conditions:
Ehlers-Danlos syndrome, type 4 (EDSVASC). Also called: Ehlers-Danlos syndrome vascular type; Ehlers Danlos syndrome, ecchymotic type; Ehlers Danlos syndrome, arterial type; Ehlers Danlos syndrome, Sack-Barabas type; Ehlers-Danlos Syndrome Type IV. Identifiers: Orphanet 286, MedGen C0268338, MONDO:0017314, OMIM 130050.

Submissions (2):

GeneDx
Classification: Pathogenic. Last evaluated: 2025-06-23. Review status: criteria provided, single submitter. Criteria: GeneDx Variant Classification Process June 2021. Collection method: clinical testing. Allele origin: germline. Affected: yes.
Comment: Canonical splice site variant predicted to result in an in-frame loss of the adjacent exon in a gene for which loss of function is a known mechanism of disease; Deletions involving coding exons of this gene are a known mechanism of disease (HGMD); Not observed at significant frequency in large population cohorts (gnomAD); This variant is associated with the following publications: (PMID: 24922459, 30474650)

Collagen Diagnostic Laboratory, University of Washington
Classification: Pathogenic for Ehlers-Danlos syndrome, type 4. Review status: no assertion criteria provided. Collection method: clinical testing. Allele origin: germline. Affected: yes. Not counted in ClinVar's aggregate classification.

NM_000090.4(COL3A1):c.3418-2A>G

Gene: COL3A1 (collagen type III alpha 1 chain; plus strand). Cytogenetic location: 2q32.2.
Variant type: single nucleotide variant.
Coding change: c.3418-2A>G on transcript NM_000090.4 (MANE Select); the canonical splice acceptor site of the intron before coding-DNA position 3418, A replaced by G.
Molecular consequence: splice acceptor variant.
Genome position (GRCh38, 1-based): chr2:189,008,033, A>G. VCF-style: chr2-189008033-A-G. GRCh37 (hg19) VCF-style: chr2-189872759-A-G.
Identifiers: ClinVar variation 101422 (VCV000101422.3), dbSNP rs587779502, ClinGen allele CA006390.